The following is an entry in ClinVar:

NM_144999.4(LRRC45):c.1494+3G>A

Gene: LRRC45 (leucine rich repeat containing 45; plus strand). Cytogenetic location: 17q25.3.
Variant type: single nucleotide variant.
Coding change: c.1494+3G>A on transcript NM_144999.4 (MANE Select); 3 bases into the intron after coding-DNA position 1494, G replaced by A.
Molecular consequence: intron variant.
Genome position (GRCh38, 1-based): chr17:82,029,638, G>A. VCF-style: chr17-82029638-G-A. GRCh37 (hg19) VCF-style: chr17-79987514-G-A.
Identifiers: ClinVar variation 4980959 (VCV004980959.1).

ClinVar aggregate classification (germline): Likely benign (1 of 4 stars; one submission).

Conditions:
LRRC45-related disorder. Also called: LRRC45-related condition.

gnomAD v4.1: 1 of 1,565,440 alleles (0.000064%); highest among the groups gnomAD compares: Non-Finnish European, 0.000086%; no homozygotes.

Submission:

PreventionGenetics, part of Exact Sciences
Classification: Likely benign for LRRC45-related condition. Last evaluated: 2026-02-18. Review status: criteria provided, single submitter. Criteria: ACMG Guidelines, 2015. Collection method: clinical testing. Allele origin: germline.
Comment: This variant is classified as likely benign based on ACMG/AMP sequence variant interpretation guidelines (Richards et al. 2015 PMID: 25741868, with internal and published modifications).